The following is an entry in ClinVar:

NM_007294.4(BRCA1):c.81-4038G>A

Genes: BRCA1 (BRCA1 DNA repair associated; minus strand), LOC110485084 (BRCA1 intronic recombination region; plus strand), LOC111589216 (BRCA1 intron 2 regulatory region; plus strand). Cytogenetic location: 17q21.31.
Variant type: single nucleotide variant.
Coding change: c.81-4038G>A on transcript NM_007294.4 (MANE Select); 4038 bases into the intron before coding-DNA position 81, G replaced by A.
Molecular consequence: intron variant.
Genome position (GRCh38, 1-based): chr17:43,119,817, C>T on the plus strand (G>A on the coding strand, the complement: BRCA1 is on the minus strand). VCF-style: chr17-43119817-C-T. GRCh37 (hg19) VCF-style: chr17-41271834-C-T.
Other names: c.-61-4038G>A (NM_001408458.1, NM_001408470.1, NM_001407848.1 and 16 more transcripts); c.-219+5460G>A (NM_001407967.1); c.-170+5460G>A (NM_001407959.1); c.-8+5460G>A (NM_001407931.1, NM_001407747.1); c.-223-4038G>A (NM_001407962.1, NM_001408512.1, NM_001408510.1 and 1 more transcripts); c.-108-4038G>A (NM_001407885.1, NM_001407886.1, NM_001408509.1 and 48 more transcripts); c.-177-4038G>A (NM_001407746.1, NM_001408468.1, NM_001407842.1 and 12 more transcripts); c.-8+4200G>A (NM_001408461.1, NM_001407738.1, NM_001407932.1 and 23 more transcripts); and 16 more.
Identifiers: ClinVar variation 1692985 (VCV001692985.26), dbSNP rs961274781, ClinGen allele CA290824685.
Genomic context (GRCh38, chr17:43,119,817, plus strand): 5'-AATTGGATTCAGTTATCATACCAGATGGCTTTCATTCTCACCACTGACTCAATTCTGAAA[C>T]AATTATATTTCAGTATGGTAATTATAATCTAAACTATATAAACACACTGTAAACACAAAC-3'

ClinVar aggregate classification (germline): Conflicting classifications of pathogenicity. Review status: criteria provided, conflicting classifications (1 of 4 stars). 2 submissions from 2 submitters: Uncertain significance (1); Likely benign (1). Last evaluated 2023-08-01.

Conditions:
Hereditary cancer-predisposing syndrome. Also called: Neoplastic Syndromes, Hereditary; Hereditary neoplastic syndrome; Tumor predisposition; Hereditary Cancer Syndrome. Identifiers: Orphanet 140162, MedGen C0027672, MeSH D009386, MONDO:0015356.

Allele frequency attached by ClinVar (database versions not stated): gnomAD 0.00009.
gnomAD v4.1: 13 of 152,110 alleles (0.0085%); highest among the groups gnomAD compares: African/African-American, 0.012%; no homozygotes.

Submissions (2):

CeGaT Center for Human Genetics Tuebingen
Classification: Likely benign. Last evaluated: 2023-08-01. Review status: criteria provided, single submitter. Criteria: CeGaT Center For Human Genetics Tuebingen Variant Classification Criteria Version 2. Collection method: clinical testing. Allele origin: germline. Affected: yes. Observed: 1 variant allele.
Comment: BRCA1: BS1

Sema4
Classification: Uncertain significance for Hereditary cancer-predisposing syndrome. Last evaluated: 2021-04-23. Review status: criteria provided, single submitter. Criteria: Sema4 Curation Guidelines. Collection method: curation. Allele origin: germline.
Comment: The BRCA1 c.81-4038G>A variant has been reported in two individuals with hereditary breast and ovarian cancer (PMID 29236234). This variant was observed in 1/8712 chromosomes in the African/African American subpopulation according to the Genome Aggregation Database (PMID: 32461654). This variant has not been reported in ClinVar. This is a deep intronic variant in intron 2/22. In silico tools suggest the impact of the variant on protein function and splicing is benign, though these predictions have not been confirmed by functional studies. The overall evidence is insufficient to meet ACMG/AMP criteria for classifying it as benign or pathogenic. In summary, the clinical significance of this variant is currently uncertain.

Literature cited by the submitters: PubMed 29236234 (cited by Sema4).